The following is an entry in ClinVar:

NM_207361.6(FREM2):c.335A>G (p.Asn112Ser)

Gene: FREM2 (FRAS1 related extracellular matrix 2; plus strand). Cytogenetic location: 13q13.3.
Variant type: single nucleotide variant.
Coding change: c.335A>G on transcript NM_207361.6 (MANE Select); coding-DNA position 335, A replaced by G.
Protein change: p.Asn112Ser; replaces asparagine 112 with serine.
Molecular consequence: missense variant.
Genome position (GRCh38, 1-based): chr13:38,687,679, A>G. VCF-style: chr13-38687679-A-G. GRCh37 (hg19) VCF-style: chr13-39261816-A-G.
Other names: c.335A>G (NM_207361.5); short protein forms N112S.
Identifiers: ClinVar variation 311937 (VCV000311937.11), dbSNP rs767098305, ClinGen allele CA6954189.

ClinVar aggregate classification (germline): Conflicting classifications of pathogenicity. Review status: criteria provided, conflicting classifications (1 of 4 stars). 4 submissions from 4 submitters: Uncertain significance (1); Likely benign (2). 1 of the submissions does not count toward it. Last evaluated 2026-01-25.

Conditions:
FREM2-related disorder. Also called: FREM2-related condition.
Inborn genetic diseases. Identifiers: MedGen C0950123, MeSH D030342.
Fraser syndrome 2 (FRASRS2). Identifiers: MedGen C4540036, MONDO:0054738, OMIM 617666.

Allele frequency attached by ClinVar (database versions not stated): gnomAD 0.00003 and 0.00010; TOPMed 0.00003; gnomAD exomes 0.00024 and 0.00040; ExAC 0.00048.
gnomAD v4.1: 362 of 1,589,724 alleles (0.023%); highest among the groups gnomAD compares: South Asian, 0.36%; 3 homozygotes.

Submissions (4):

Labcorp Genetics (formerly Invitae), Labcorp
Classification: Likely benign. Last evaluated: 2026-01-25. Review status: criteria provided, single submitter. Criteria: Invitae Variant Classification Sherloc (09022015). Collection method: clinical testing. Allele origin: germline.

Ambry Genetics
Classification: Uncertain significance for Inborn genetic diseases. Last evaluated: 2023-07-25. Review status: criteria provided, single submitter. Criteria: Ambry Variant Classification Scheme 2023. Collection method: clinical testing. Allele origin: germline.

Illumina Laboratory Services, Illumina
Classification: Likely benign for Fraser syndrome 2. Last evaluated: 2018-01-13. Review status: criteria provided, single submitter. Criteria: ICSL Variant Classification Criteria 13 December 2019. Collection method: clinical testing. Allele origin: germline.
Comment: This variant was observed in the ICSL laboratory as part of a predisposition screen in an ostensibly healthy population. It had not been previously curated by ICSL or reported in the Human Gene Mutation Database (HGMD: prior to June 1st, 2018), and was therefore a candidate for classification through an automated scoring system. Utilizing variant allele frequency, disease prevalence and penetrance estimates, and inheritance mode, an automated score was calculated to assess if this variant is too frequent to cause the disease. Based on the score and internal cut-off values, a variant classified as likely benign is not then subjected to further curation. The score for this variant resulted in a classification of likely benign for this disease.

PreventionGenetics, part of Exact Sciences
Classification: Likely benign for FREM2-related condition. Last evaluated: 2024-04-07. Review status: no assertion criteria provided. Collection method: clinical testing. Allele origin: germline. Not counted in ClinVar's aggregate classification.
Comment: This variant is classified as likely benign based on ACMG/AMP sequence variant interpretation guidelines (Richards et al. 2015 PMID: 25741868, with internal and published modifications).